The following is an entry in ClinVar:

ClinVar aggregate classification (germline): Uncertain significance. Review status: criteria provided, multiple submitters, no conflicts (2 of 4 stars). 2 submissions from 2 submitters: Uncertain significance (2). Last evaluated 2023-11-21.

Allele frequency attached by ClinVar (database versions not stated): gnomAD exomes 0.00010; ExAC 0.00012; gnomAD 0.00012 and 0.00013; ESP Exome Variant Server 0.00015; TOPMed 0.00029.

Submissions (2):

Ambry Genetics
Classification: Uncertain significance. Last evaluated: 2023-11-21. Review status: criteria provided, single submitter. Criteria: Ambry Variant Classification Scheme 2023. Collection method: clinical testing. Allele origin: germline.

GeneDx
Classification: Uncertain significance. Last evaluated: 2022-04-07. Review status: criteria provided, single submitter. Criteria: GeneDx Variant Classification Process June 2021. Collection method: clinical testing. Allele origin: germline. Affected: yes.
Comment: Has not been previously published as pathogenic or benign to our knowledge; In silico analysis supports that this missense variant does not alter protein structure/function

NM_001018116.2(CAVIN4):c.49C>T (p.Arg17Cys)

Gene: CAVIN4 (caveolae associated protein 4; plus strand). Cytogenetic location: 9q31.1.
Variant type: single nucleotide variant.
Coding change: c.49C>T on transcript NM_001018116.2 (MANE Select); coding-DNA position 49, C replaced by T.
Protein change: p.Arg17Cys; replaces arginine 17 with cysteine.
Molecular consequence: missense variant.
Genome position (GRCh38, 1-based): chr9:100,578,192, C>T. VCF-style: chr9-100578192-C-T. GRCh37 (hg19) VCF-style: chr9-103340474-C-T.
Other names: c.49C>T (NM_001018116.1); short protein forms R17C.
Identifiers: ClinVar variation 1220411 (VCV001220411.6), dbSNP rs373690575, ClinGen allele CA5159975.